The following is an entry in ClinVar:

NM_001204.7(BMPR2):c.614del (p.Leu205fs)

Gene: BMPR2 (bone morphogenetic protein receptor type 2; plus strand). Cytogenetic location: 2q33.2.
Variant type: Deletion.
Coding change: c.614del on transcript NM_001204.7 (MANE Select); coding-DNA position 614, one base deleted (T; older notation c.614delT).
Protein change: p.Leu205fs; shifts the reading frame from leucine 205.
Molecular consequence: frameshift variant.
Genome position (GRCh38, 1-based): chr2:202,514,972, T deleted. VCF-style (leftmost placement, unchanged base first): chr2-202514971-CT-C. GRCh37 (hg19) VCF-style: chr2-203379694-CT-C.
Other names: short protein forms L205fs.
Identifiers: ClinVar variation 3347170 (VCV003347170.1).

ClinVar aggregate classification (germline): Pathogenic (0 of 4 stars; one submission).

Conditions:
BMPR2-related disorder. Also called: BMPR2-related condition; BMPR2-related disorders.

Submission:

PreventionGenetics, part of Exact Sciences
Classification: Pathogenic for BMPR2-related condition. Last evaluated: 2024-07-26. Review status: no assertion criteria provided. Collection method: clinical testing. Allele origin: germline.
Comment: The BMPR2 c.614delT variant is predicted to result in a frameshift and premature protein termination (p.Leu205Argfs*4). To our knowledge, this variant has not been reported in the literature or in a large population database, indicating this variant is rare. Frameshift variants in BMPR2 are expected to be pathogenic. This variant is interpreted as pathogenic.